The following is an entry in ClinVar:

ClinVar aggregate classification (germline): Uncertain significance (1 of 4 stars; one submission).

Conditions:
Glutamate formiminotransferase deficiency. Also called: Arakawa syndrome 1; Formiminoglutamic aciduria. Identifiers: Orphanet 51208, MedGen C0268609, MONDO:0009240, OMIM 229100.

Submission:

Labcorp Genetics (formerly Invitae), Labcorp
Classification: Uncertain significance for Glutamate formiminotransferase deficiency. Last evaluated: 2023-02-19. Review status: criteria provided, single submitter. Criteria: Invitae Variant Classification Sherloc (09022015). Collection method: clinical testing. Allele origin: germline.
Comment: This variant has not been reported in the literature in individuals affected with FTCD-related conditions. In summary, the available evidence is currently insufficient to determine the role of this variant in disease. Therefore, it has been classified as a Variant of Uncertain Significance. Advanced modeling of protein sequence and biophysical properties (such as structural, functional, and spatial information, amino acid conservation, physicochemical variation, residue mobility, and thermodynamic stability) performed at Invitae indicates that this missense variant is not expected to disrupt FTCD protein function. This variant is not present in population databases (gnomAD no frequency). This sequence change replaces alanine, which is neutral and non-polar, with valine, which is neutral and non-polar, at codon 525 of the FTCD protein (p.Ala525Val).

NM_206965.2(FTCD):c.1574C>T (p.Ala525Val)

Gene: FTCD (formimidoyltransferase cyclodeaminase; minus strand). Cytogenetic location: 21q22.3.
Variant type: single nucleotide variant.
Coding change: c.1574C>T on transcript NM_206965.2 (MANE Select); coding-DNA position 1574, C replaced by T.
Protein change: p.Ala525Val; replaces alanine 525 with valine.
Molecular consequence: missense variant. On other transcripts: synonymous variant (1).
Genome position (GRCh38, 1-based): chr21:46,137,039, G>A on the plus strand (C>T on the coding strand, the complement: FTCD is on the minus strand). VCF-style: chr21-46137039-G-A. GRCh37 (hg19) VCF-style: chr21-47556953-G-A.
Other names: c.1554C>T, p.Ser518= (NM_001320412.2); c.1574C>T, p.Ala525Val (NM_006657.3); short protein forms A525V.
Identifiers: ClinVar variation 2954983 (VCV002954983.3), dbSNP rs2517041936, ClinGen allele CA410555622.